The following is an entry in ClinVar:

ClinVar aggregate classification (germline): Likely pathogenic (1 of 4 stars; one submission).

Conditions:
Marshall syndrome (MRSHS). Identifiers: Orphanet 560, MedGen C0265235, MONDO:0007949, OMIM 154780.

Submission:

MVZ Medizinische Genetik Mainz
Classification: Likely pathogenic for Marshall syndrome. Last evaluated: 2023-02-24. Review status: criteria provided, single submitter. Criteria: UK Practice Guidelines For Variant Classification V4 01 2020. Collection method: clinical testing. Allele origin: germline. Inheritance: Autosomal dominant inheritance. Affected: yes. Observed: 1 variant allele.
Comment: ACMG Criteria: PVS1, PM2_SUP

NM_001854.4(COL11A1):c.298del (p.Ser100fs)

Gene: COL11A1 (collagen type XI alpha 1 chain; minus strand). Cytogenetic location: 1p21.1.
Variant type: Deletion.
Coding change: c.298del on transcript NM_001854.4 (MANE Select); coding-DNA position 298, one base deleted (T; older notation c.298delT).
Protein change: p.Ser100fs; shifts the reading frame from serine 100.
Molecular consequence: frameshift variant. On other transcripts: non-coding transcript variant (1).
Genome position (GRCh38, 1-based): chr1:103,078,848, A deleted on the plus strand (T on the coding strand, the reverse complement: COL11A1 is on the minus strand); the first of 4 consecutive A bases (chr1:103,078,848-103,078,851); deleting any one gives the same sequence. VCF-style (leftmost placement, unchanged base first): chr1-103078847-GA-G. GRCh37 (hg19) VCF-style: chr1-103544403-GA-G.
Other names: c.295delT, p.Ser100Glnfs (NM_001168249.1); c.298del, p.Ser100fs (NM_001190709.2, NM_080629.3, NM_080630.4); short protein forms S100fs.
Identifiers: ClinVar variation 3236191 (VCV003236191.1), dbSNP rs2526190236, ClinGen allele CA2825000845.